The following is an entry in ClinVar:

ClinVar aggregate classification (germline): Uncertain significance (1 of 4 stars; one submission).

Conditions:
Fliedner-Zweier syndrome (FZS). Identifiers: MedGen C5882693, MONDO:0957787, OMIM 620511.

Submission:

Institute of Human Genetics, University of Leipzig Medical Center
Classification: Uncertain significance for Fliedner-Zweier syndrome. Last evaluated: 2026-03-02. Review status: criteria provided, single submitter. Criteria: ACMG Guidelines, 2015. Collection method: clinical testing. Allele origin: paternal. Inheritance: Autosomal dominant inheritance. Affected: yes.
Comment: Criteria applied: PM2,PP3

NM_020706.2(SCAF4):c.1069-18T>C

Gene: SCAF4 (SR-related CTD associated factor 4; minus strand). Cytogenetic location: 21q22.11.
Variant type: single nucleotide variant.
Coding change: c.1069-18T>C on transcript NM_020706.2 (MANE Select); 18 bases into the intron before coding-DNA position 1069, T replaced by C.
Molecular consequence: intron variant.
Genome position (GRCh38, 1-based): chr21:31,694,998, A>G on the plus strand (T>C on the coding strand, the complement: SCAF4 is on the minus strand). VCF-style: chr21-31694998-A-G. GRCh37 (hg19) VCF-style: chr21-33067311-A-G.
Other names: c.1024-18T>C (NM_001145444.1); c.1069-18T>C (NM_001145445.1).
Identifiers: ClinVar variation 4845366 (VCV004845366.1).